The following is an entry in ClinVar:

NM_000038.6(APC):c.532-1966T>G

Gene: APC (APC regulator of WNT signaling pathway; plus strand). Cytogenetic location: 5q22.2.
Variant type: single nucleotide variant.
Coding change: c.532-1966T>G on transcript NM_000038.6 (MANE Select); 1966 bases into the intron before coding-DNA position 532, T replaced by G.
Molecular consequence: intron variant.
Genome position (GRCh38, 1-based): chr5:112,778,824, T>G. VCF-style: chr5-112778824-T-G. GRCh37 (hg19) VCF-style: chr5-112114521-T-G.
Other names: c.532-1966T>G (NM_001354895.2, NM_001127510.3, NM_001354896.2 and 2 more transcripts); c.562-1966T>G (NM_001354897.2, NM_001354902.2, NM_001127511.3); c.457-1966T>G (NM_001354898.2, NM_001354904.2); c.-504-1966T>G (NM_001354906.2); c.355-1966T>G (NM_001354900.2, NM_001354901.2, NM_001354905.2).
Identifiers: ClinVar variation 82930 (VCV000082930.2), dbSNP rs75882432, ClinGen allele CA010244.

ClinVar aggregate classification (germline): other (0 of 4 stars; one submission).

Conditions:
Familial colorectal cancer. Identifiers: MedGen CN280943, MONDO:0023113. Disease mechanism: loss of function.

Submission:

Systems Biology Platform Zhejiang California International NanoSystems Institute
Classification: other for Familial colorectal cancer. Review status: no assertion criteria provided. Collection method: not provided. Allele origin: unknown.
ClinVar note: Converted during submission from cancer to other.